The following is an entry in ClinVar:

ClinVar aggregate classification (germline): Uncertain significance (1 of 4 stars; one submission).

Submission:

GeneDx
Classification: Uncertain significance. Last evaluated: 2022-01-24. Review status: criteria provided, single submitter. Criteria: GeneDx Variant Classification Process June 2021. Collection method: clinical testing. Allele origin: germline. Affected: yes.
Comment: Has not been previously published as pathogenic or benign to our knowledge; Not observed at significant frequency in large population cohorts (gnomAD); In silico analysis supports that this missense variant has a deleterious effect on protein structure/function

NM_001005242.3(PKP2):c.1078C>T (p.Leu360Phe)

Gene: PKP2 (plakophilin 2; minus strand). Cytogenetic location: 12p11.21.
Variant type: single nucleotide variant.
Coding change: c.1078C>T on transcript NM_001005242.3 (MANE Select); coding-DNA position 1078, C replaced by T.
Protein change: p.Leu360Phe; replaces leucine 360 with phenylalanine.
Molecular consequence: missense variant.
Genome position (GRCh38, 1-based): chr12:32,869,019, G>A on the plus strand (C>T on the coding strand, the complement: PKP2 is on the minus strand). VCF-style: chr12-32869019-G-A. GRCh37 (hg19) VCF-style: chr12-33021953-G-A.
Other names: c.1078C>T, p.Leu360Phe (NM_004572.4); short protein forms L360F.
Identifiers: ClinVar variation 1698280 (VCV001698280.2), dbSNP rs2137919913, ClinGen allele CA384359668.
Genomic context (GRCh38, chr12:32,869,019, plus strand): 5'-CGTGCTGTATGAAAGTAGCTGCAGCAGAAATCCTGGATGGCAGCATGTGGTCTGCCTCGA[G>A]CATACTCACTGCTCGCTCCAGAGTCATCTCCATGTCTGCATTCCTAGACAAACAGGCACA-3'
Protein context (NP_001005242.2, residues 350-370): EMTLERAVSM[Leu360Phe]EADHMLPSRI